The following is an entry in ClinVar:

ClinVar aggregate classification (germline): Conflicting classifications of pathogenicity. Review status: criteria provided, conflicting classifications (1 of 4 stars). 4 submissions from 4 submitters: Uncertain significance (3); Likely benign (1). Last evaluated 2025-06-23.

Conditions:
Familial thoracic aortic aneurysm and aortic dissection (TAAD). Also called: Thoracic aortic aneurysms and dissections. Identifiers: Orphanet 91387, MedGen C4707243, MONDO:0019625.

Allele frequency attached by ClinVar (database versions not stated): gnomAD 0.00001; TOPMed 0.00003.
gnomAD v4.1: 4 of 1,612,904 alleles (0.00025%); highest among the groups gnomAD compares: Admixed American, 0.0017%; no homozygotes.

Submissions (4):

Color Diagnostics, LLC DBA Color Health
Classification: Uncertain significance for Familial thoracic aortic aneurysm and aortic dissection. Last evaluated: 2025-06-23. Review status: criteria provided, single submitter. Criteria: ACMG Guidelines, 2015. Collection method: clinical testing. Allele origin: germline.
Comment: This missense variant replaces valine with alanine at codon 60 of the SMAD3 protein. Computational prediction suggests that this variant may not impact protein structure and function. To our knowledge, functional studies have not been reported for this variant. This variant has not been reported in individuals affected with SMAD3-related disorders in the literature. This variant has not been identified in the general population by the Genome Aggregation Database (gnomAD). The available evidence is insufficient to determine the role of this variant in disease conclusively. Therefore, this variant is classified as a Variant of Uncertain Significance.

Ambry Genetics
Classification: Likely benign for Familial thoracic aortic aneurysm and aortic dissection. Last evaluated: 2024-06-16. Review status: criteria provided, single submitter. Criteria: Ambry Variant Classification Scheme 2023. Collection method: clinical testing. Allele origin: germline.

Labcorp Genetics (formerly Invitae), Labcorp
Classification: Uncertain significance for Familial thoracic aortic aneurysm and aortic dissection. Last evaluated: 2022-02-18. Review status: criteria provided, single submitter. Criteria: Invitae Variant Classification Sherloc (09022015). Collection method: clinical testing. Allele origin: germline.
Comment: In summary, the available evidence is currently insufficient to determine the role of this variant in disease. Therefore, it has been classified as a Variant of Uncertain Significance. This sequence change replaces valine, which is neutral and non-polar, with alanine, which is neutral and non-polar, at codon 60 of the SMAD3 protein (p.Val60Ala). This variant is not present in population databases (gnomAD no frequency). This variant has not been reported in the literature in individuals affected with SMAD3-related conditions. ClinVar contains an entry for this variant (Variation ID: 1308896). Advanced modeling of protein sequence and biophysical properties (such as structural, functional, and spatial information, amino acid conservation, physicochemical variation, residue mobility, and thermodynamic stability) performed at Invitae indicates that this missense variant is not expected to disrupt SMAD3 protein function.

GeneDx
Classification: Uncertain significance. Last evaluated: 2019-09-27. Review status: criteria provided, single submitter. Criteria: GeneDx Variant Classification Process June 2021. Collection method: clinical testing. Allele origin: germline. Affected: yes.
Comment: Has not been previously published as pathogenic or benign to our knowledge; Not observed in large population cohorts (Lek et al., 2016); In silico analysis, which includes protein predictors and evolutionary conservation, supports that this variant does not alter protein structure/function

NM_005902.4(SMAD3):c.179T>C (p.Val60Ala)

Gene: SMAD3 (SMAD family member 3; plus strand). Cytogenetic location: 15q22.33.
Variant type: single nucleotide variant.
Coding change: c.179T>C on transcript NM_005902.4 (MANE Select); coding-DNA position 179, T replaced by C.
Protein change: p.Val60Ala; replaces valine 60 with alanine.
Molecular consequence: missense variant.
Genome position (GRCh38, 1-based): chr15:67,066,333, T>C. VCF-style: chr15-67066333-T-C. GRCh37 (hg19) VCF-style: chr15-67358671-T-C.
Other names: short protein forms V60A.
Identifiers: ClinVar variation 1308896 (VCV001308896.10), dbSNP rs1242358787, ClinGen allele CA393203068.